The following is an entry in ClinVar:

ClinVar aggregate classification (germline): Conflicting classifications of pathogenicity. Review status: criteria provided, conflicting classifications (1 of 4 stars). 3 submissions from 3 submitters: Uncertain significance (1); Likely benign (2). Last evaluated 2025-04-02.

Conditions:
ZNF469-related disorder. Also called: ZNF469-related condition.
Cardiovascular phenotype. Identifiers: MedGen CN230736.

Allele frequency attached by ClinVar (database versions not stated): gnomAD exomes 0.00004 and 0.00026; 1000 Genomes Project 0.00040; gnomAD 0.00055 and 0.00056; 1000 Genomes Project 30x 0.00062; TOPMed 0.00071.
gnomAD v4.1: 135 of 1,550,186 alleles (0.0087%); highest among the groups gnomAD compares: Admixed American, 0.25%; 2 homozygotes.

Submissions (3):

PreventionGenetics, part of Exact Sciences
Classification: Likely benign for ZNF469-related condition. Last evaluated: 2025-04-02. Review status: criteria provided, single submitter. Criteria: ACMG Guidelines, 2015. Collection method: clinical testing. Allele origin: germline.
Comment: This variant is classified as likely benign based on ACMG/AMP sequence variant interpretation guidelines (Richards et al. 2015 PMID: 25741868, with internal and published modifications).

Labcorp Genetics (formerly Invitae), Labcorp
Classification: Uncertain significance. Last evaluated: 2025-01-25. Review status: criteria provided, single submitter. Criteria: Invitae Variant Classification Sherloc (09022015). Collection method: clinical testing. Allele origin: germline.
Comment: This sequence change replaces proline, which is neutral and non-polar, with leucine, which is neutral and non-polar, at codon 365 of the ZNF469 protein (p.Pro365Leu). This variant is present in population databases (rs567183966, gnomAD 0.2%). This variant has not been reported in the literature in individuals affected with ZNF469-related conditions. ClinVar contains an entry for this variant (Variation ID: 1446192). An algorithm developed to predict the effect of missense changes on protein structure and function (PolyPhen-2) suggests that this variant¬†is likely to be tolerated. In summary, the available evidence is currently insufficient to determine the role of this variant in disease. Therefore, it has been classified as a Variant of Uncertain Significance.

Ambry Genetics
Classification: Likely benign for Cardiovascular phenotype. Last evaluated: 2022-07-23. Review status: criteria provided, single submitter. Criteria: Ambry Variant Classification Scheme 2023. Collection method: clinical testing. Allele origin: germline.

NM_001367624.2(ZNF469):c.1094C>T (p.Pro365Leu)

Gene: ZNF469 (zinc finger protein 469; plus strand). Cytogenetic location: 16q24.2.
Variant type: single nucleotide variant.
Coding change: c.1094C>T on transcript NM_001367624.2 (MANE Select); coding-DNA position 1094, C replaced by T.
Protein change: p.Pro365Leu; replaces proline 365 with leucine.
Molecular consequence: missense variant.
Genome position (GRCh38, 1-based): chr16:88,428,564, C>T. VCF-style: chr16-88428564-C-T. GRCh37 (hg19) VCF-style: chr16-88494972-C-T.
Other names: NM_001127464.1:c.1094C>T; NM_001127464.2:c.1094C>T; short protein forms P365L.
Identifiers: ClinVar variation 1446192 (VCV001446192.7), dbSNP rs567183966, ClinGen allele CA8224661.